The following is an entry in ClinVar:

ClinVar aggregate classification (germline): Uncertain significance (1 of 4 stars; one submission).

Conditions:
Lower motor neuron syndrome with late-adult onset (SMAJ). Also called: Spinal muscular atrophy, Jokela type; Late-Onset Spinal Motor Neuronopathy (SMAJ). Identifiers: Orphanet 276435, MedGen C3554398, MONDO:0014025, OMIM 615048.
Frontotemporal dementia and/or amyotrophic lateral sclerosis 2. Also called: FTDALS2. Identifiers: Orphanet 275872, MedGen C4014648, MONDO:0014395, OMIM 615911.
Autosomal dominant mitochondrial myopathy with exercise intolerance (IMMD). Also called: Myopathy, isolated mitochondrial, autosomal dominant. Identifiers: Orphanet 457050, MedGen C4015513, MONDO:0014532, OMIM 616209.

Submission:

Labcorp Genetics (formerly Invitae), Labcorp
Classification: Uncertain significance for Lower motor neuron syndrome with late-adult onset; Frontotemporal dementia and/or amyotrophic lateral sclerosis 2; Autosomal dominant mitochondrial myopathy with exercise intolerance. Last evaluated: 2022-05-05. Review status: criteria provided, single submitter. Criteria: Invitae Variant Classification Sherloc (09022015). Collection method: clinical testing. Allele origin: germline.
Comment: This variant has not been reported in the literature in individuals affected with CHCHD10-related conditions. Algorithms developed to predict the effect of missense changes on protein structure and function are either unavailable or do not agree on the potential impact of this missense change (SIFT: "Deleterious"; PolyPhen-2: "Not Available"; Align-GVGD: "Class C0"). In summary, the available evidence is currently insufficient to determine the role of this variant in disease. Therefore, it has been classified as a Variant of Uncertain Significance. This variant is not present in population databases (gnomAD no frequency). This sequence change replaces alanine, which is neutral and non-polar, with proline, which is neutral and non-polar, at codon 33 of the CHCHD10 protein (p.Ala33Pro).

NM_213720.3(CHCHD10):c.97G>C (p.Ala33Pro)

Gene: CHCHD10 (coiled-coil-helix-coiled-coil-helix domain containing 10; minus strand). Cytogenetic location: 22q11.23.
Variant type: single nucleotide variant.
Coding change: c.97G>C on transcript NM_213720.3 (MANE Select); coding-DNA position 97, G replaced by C.
Protein change: p.Ala33Pro; replaces alanine 33 with proline.
Molecular consequence: missense variant. On other transcripts: non-coding transcript variant (1).
Genome position (GRCh38, 1-based): chr22:23,767,538, C>G on the plus strand (G>C on the coding strand, the complement: CHCHD10 is on the minus strand). VCF-style: chr22-23767538-C-G. GRCh37 (hg19) VCF-style: chr22-24109725-C-G.
Other names: c.97G>C, p.Ala33Pro (NM_001301339.2); short protein forms A33P.
Identifiers: ClinVar variation 2134346 (VCV002134346.4), dbSNP rs2145927177, ClinGen allele CA410916761.